The following is an entry in ClinVar:

ClinVar aggregate classification (germline): Uncertain significance (1 of 4 stars; one submission).

Allele frequency attached by ClinVar (database versions not stated): ExAC 0.00001; gnomAD 0.00001; TOPMed 0.00001; ESP Exome Variant Server 0.00008.
gnomAD v4.1: 13 of 1,613,272 alleles (0.00081%); highest among the groups gnomAD compares: East Asian, 0.0022%; no homozygotes.

Submission:

Labcorp Genetics (formerly Invitae), Labcorp
Classification: Uncertain significance. Last evaluated: 2024-09-12. Review status: criteria provided, single submitter. Criteria: Invitae Variant Classification Sherloc (09022015). Collection method: clinical testing. Allele origin: germline.
Comment: This sequence change replaces arginine, which is basic and polar, with glutamine, which is neutral and polar, at codon 5 of the TCF20 protein (p.Arg5Gln). This variant is present in population databases (rs374039987, gnomAD 0.002%). This variant has not been reported in the literature in individuals affected with TCF20-related conditions. ClinVar contains an entry for this variant (Variation ID: 2421836). An algorithm developed to predict the effect of missense changes on protein structure and function (PolyPhen-2) suggests that this variant is likely to be disruptive. In summary, the available evidence is currently insufficient to determine the role of this variant in disease. Therefore, it has been classified as a Variant of Uncertain Significance.

NM_001378418.1(TCF20):c.14G>A (p.Arg5Gln)

Gene: TCF20 (transcription factor 20; minus strand). Cytogenetic location: 22q13.2.
Variant type: single nucleotide variant.
Coding change: c.14G>A on transcript NM_001378418.1 (MANE Select); coding-DNA position 14, G replaced by A.
Protein change: p.Arg5Gln; replaces arginine 5 with glutamine.
Molecular consequence: missense variant.
Genome position (GRCh38, 1-based): chr22:42,215,292, C>T on the plus strand (G>A on the coding strand, the complement: TCF20 is on the minus strand). VCF-style: chr22-42215292-C-T. GRCh37 (hg19) VCF-style: chr22-42611298-C-T.
Other names: c.14G>A, p.Arg5Gln (NM_005650.4, NM_181492.3); short protein forms R5Q.
Identifiers: ClinVar variation 2421836 (VCV002421836.6), dbSNP rs374039987, ClinGen allele CA10267461.